The following is an entry in ClinVar:

NM_000391.4(TPP1):c.1582G>A (p.Asp528Asn)

Gene: TPP1 (tripeptidyl peptidase 1; minus strand). Cytogenetic location: 11p15.4.
Variant type: single nucleotide variant.
Coding change: c.1582G>A on transcript NM_000391.4 (MANE Select); coding-DNA position 1582, G replaced by A.
Protein change: p.Asp528Asn; replaces aspartic acid 528 with asparagine.
Molecular consequence: missense variant.
Genome position (GRCh38, 1-based): chr11:6,614,656, C>T on the plus strand (G>A on the coding strand, the complement: TPP1 is on the minus strand). VCF-style: chr11-6614656-C-T. GRCh37 (hg19) VCF-style: chr11-6635887-C-T.
Other names: short protein forms D528N.
Identifiers: ClinVar variation 847286 (VCV000847286.6), dbSNP rs375364589, ClinGen allele CA5858602.

ClinVar aggregate classification (germline): Conflicting classifications of pathogenicity. Review status: criteria provided, conflicting classifications (1 of 4 stars). 3 submissions from 3 submitters: Uncertain significance (1); Likely benign (1). 1 of the submissions does not count toward it. Last evaluated 2024-10-22.

Conditions:
Neuronal ceroid lipofuscinosis 2. Also called: JANSKY-BIELSCHOWSKY DISEASE NEURONAL CEROID LIPOFUSCINOSIS, LATE INFANTILE; TPP1-Related Neuronal Ceroid-Lipofuscinosis. Identifiers: Orphanet 168491, Orphanet 228349, Orphanet 79264, MedGen C1876161, MONDO:0008769, OMIM 204500.

Allele frequency attached by ClinVar (database versions not stated): gnomAD 0.00001; ExAC 0.00003; gnomAD exomes 0.00003 and 0.00005; TOPMed 0.00003; ESP Exome Variant Server 0.00008.

Submissions (3):

Labcorp Genetics (formerly Invitae), Labcorp
Classification: Uncertain significance. Last evaluated: 2024-10-22. Review status: criteria provided, single submitter. Criteria: Invitae Variant Classification Sherloc (09022015). Collection method: clinical testing. Allele origin: germline.
Comment: This sequence change replaces aspartic acid, which is acidic and polar, with asparagine, which is neutral and polar, at codon 528 of the TPP1 protein (p.Asp528Asn). This variant is present in population databases (rs375364589, gnomAD 0.008%). This variant has not been reported in the literature in individuals affected with TPP1-related conditions. ClinVar contains an entry for this variant (Variation ID: 847286). Invitae Evidence Modeling of protein sequence and biophysical properties (such as structural, functional, and spatial information, amino acid conservation, physicochemical variation, residue mobility, and thermodynamic stability) indicates that this missense variant is not expected to disrupt TPP1 protein function with a negative predictive value of 95%. In summary, the available evidence is currently insufficient to determine the role of this variant in disease. Therefore, it has been classified as a Variant of Uncertain Significance.

Blueprint Genetics
Classification: Likely benign. Last evaluated: 2024-09-03. Review status: criteria provided, single submitter. Criteria: ACMG Guidelines, 2015. Collection method: clinical testing. Allele origin: germline.

Natera, Inc.
Classification: Uncertain significance for Neuronal ceroid lipofuscinosis 2. Last evaluated: 2020-02-10. Review status: no assertion criteria provided. Collection method: clinical testing. Allele origin: germline. Not counted in ClinVar's aggregate classification.